The following is an entry in ClinVar:

NM_006254.4(PRKCD):c.195G>C (p.Glu65Asp)

Gene: PRKCD (protein kinase C delta; plus strand). Cytogenetic location: 3p21.1.
Variant type: single nucleotide variant.
Coding change: c.195G>C on transcript NM_006254.4 (MANE Select); coding-DNA position 195, G replaced by C.
Protein change: p.Glu65Asp; replaces glutamic acid 65 with aspartic acid.
Molecular consequence: missense variant.
Genome position (GRCh38, 1-based): chr3:53,179,656, G>C. VCF-style: chr3-53179656-G-C. GRCh37 (hg19) VCF-style: chr3-53213672-G-C.
Other names: c.195G>C, p.Glu65Asp (NM_001316327.2, NM_001354679.2, NM_001354680.2 and 1 more transcripts); c.252G>C, p.Glu84Asp (NM_001354676.2); c.243G>C, p.Glu81Asp (NM_001354678.2); short protein forms E65D, E84D, E81D.
Identifiers: ClinVar variation 1474712 (VCV001474712.8), dbSNP rs1196790794, ClinGen allele CA353233185.

ClinVar aggregate classification (germline): Uncertain significance (1 of 4 stars; one submission).

Conditions:
Autoimmune lymphoproliferative syndrome, type III caused by mutation in PRKCD. Identifiers: Orphanet 3261, Orphanet 664711, MedGen C3809928, MONDO:8000024, OMIM 615559.

Allele frequency attached by ClinVar (database versions not stated): gnomAD exomes below 0.00001; gnomAD 0.00001; TOPMed 0.00001.
gnomAD v4.1: 7 of 1,613,846 alleles (0.00043%); highest among the groups gnomAD compares: Non-Finnish European, 0.00059%; no homozygotes.

Submission:

Labcorp Genetics (formerly Invitae), Labcorp
Classification: Uncertain significance for Autoimmune lymphoproliferative syndrome, type III caused by mutation in PRKCD. Last evaluated: 2025-11-24. Review status: criteria provided, single submitter. Criteria: Invitae Variant Classification Sherloc (09022015). Collection method: clinical testing. Allele origin: germline.
Comment: This sequence change replaces glutamic acid, which is acidic and polar, with aspartic acid, which is acidic and polar, at codon 65 of the PRKCD protein (p.Glu65Asp). This variant is present in population databases (no rsID available, gnomAD 0.002%). This variant has not been reported in the literature in individuals affected with PRKCD-related conditions. ClinVar contains an entry for this variant (Variation ID: 1474712). An algorithm developed to predict the effect of missense changes on protein structure and function (PolyPhen-2) suggests that this variant is likely to be disruptive. In summary, the available evidence is currently insufficient to determine the role of this variant in disease. Therefore, it has been classified as a Variant of Uncertain Significance.